The following is an entry in ClinVar:

ClinVar aggregate classification (germline): Likely pathogenic (1 of 4 stars; one submission).

Submission:

Dasa
Classification: Likely pathogenic. Last evaluated: 2025-04-30. Review status: criteria provided, single submitter. Criteria: DASA Assertion Criteria. Collection method: clinical testing. Allele origin: germline.
Comment: NM_001364905.1(LRBA):c.681C>G (p.Tyr227*) is a nonsense variant in LRBA predicted to introduce a premature termination codon and is predicted to result in an absent or altered protein product. Loss of function is an established disease mechanism for LRBA-associated disorders. Also, this variant is absent from population databases. Based on the currently available evidence, this variant is classified as likely pathogenic.

NM_001364905.1(LRBA):c.681C>G (p.Tyr227Ter)

Gene: LRBA (LPS responsive beige-like anchor protein; minus strand). Cytogenetic location: 4q31.3.
Variant type: single nucleotide variant.
Coding change: c.681C>G on transcript NM_001364905.1 (MANE Select); coding-DNA position 681, C replaced by G.
Protein change: p.Tyr227Ter; replaces tyrosine 227 with a stop codon.
Molecular consequence: nonsense.
Genome position (GRCh38, 1-based): chr4:150,916,703, G>C on the plus strand (C>G on the coding strand, the complement: LRBA is on the minus strand). VCF-style: chr4-150916703-G-C. GRCh37 (hg19) VCF-style: chr4-151837855-G-C.
Other names: c.681C>G, p.Tyr227Ter (NM_001199282.3, NM_001367550.1, NM_001440430.1 and 2 more transcripts); short protein forms Y227*.
Identifiers: ClinVar variation 4886517 (VCV004886517.2).
Genomic context (GRCh38, chr4:150,916,703, plus strand): 5'-TACATTGATGTTATTTACAGGATCCATTCTAAGCCATGTATGAAATGTAAAACCATTCTG[G>C]TATGGCCATTTGGCTATAGGAGGTAATGCAATAGCCTAAAGGAAAGAAACTTTGAGTTAT-3'